The following is an entry in ClinVar:

NM_001130823.3(DNMT1):c.1399+6G>T

Gene: DNMT1 (DNA methyltransferase 1; minus strand). Cytogenetic location: 19p13.2.
Variant type: single nucleotide variant.
Coding change: c.1399+6G>T on transcript NM_001130823.3 (MANE Select); 6 bases into the intron after coding-DNA position 1399, G replaced by T.
Molecular consequence: intron variant.
Genome position (GRCh38, 1-based): chr19:10,156,385, C>A on the plus strand (G>T on the coding strand, the complement: DNMT1 is on the minus strand). VCF-style: chr19-10156385-C-A. GRCh37 (hg19) VCF-style: chr19-10267061-C-A.
Other names: c.1036+6G>T (NM_001318731.2); c.1351+6G>T (NM_001379.4, NM_001318730.2).
Identifiers: ClinVar variation 849917 (VCV000849917.9), dbSNP rs761660016, ClinGen allele CA9188311.

ClinVar aggregate classification (germline): Uncertain significance (1 of 4 stars; one submission).

Conditions:
Hereditary sensory neuropathy-deafness-dementia syndrome. Also called: Hereditary sensory neuropathy type IE; NEUROPATHY, HEREDITARY SENSORY, WITH HEARING LOSS AND DEMENTIA; Hereditary Sensory and Autonomic Neuropathy Type 1E (HSAN1E); HSN IE. Identifiers: Orphanet 456318, MedGen C3279885, MONDO:0013584, OMIM 614116.

Allele frequency attached by ClinVar (database versions not stated): ExAC 0.00001; gnomAD exomes 0.00001; TOPMed 0.00001.
gnomAD v4.1: 7 of 1,602,426 alleles (0.00044%); highest among the groups gnomAD compares: South Asian, 0.0077%; no homozygotes.

Submission:

Labcorp Genetics (formerly Invitae), Labcorp
Classification: Uncertain significance for Hereditary sensory neuropathy-deafness-dementia syndrome. Last evaluated: 2019-12-25. Review status: criteria provided, single submitter. Criteria: Invitae Variant Classification Sherloc (09022015). Collection method: clinical testing. Allele origin: germline.
Comment: In summary, the available evidence is currently insufficient to determine the role of this variant in disease. Therefore, it has been classified as a Variant of Uncertain Significance. Nucleotide substitutions within the consensus splice site are a relatively common cause of aberrant splicing (PMID: 17576681, 9536098). Algorithms developed to predict the effect of sequence changes on RNA splicing suggest that this variant is not likely to affect RNA splicing, but this prediction has not been confirmed by published transcriptional studies. This variant has not been reported in the literature in individuals with DNMT1-related conditions. This variant is present in population databases (rs761660016, ExAC 0.006%). This sequence change falls in intron 18 of the DNMT1 gene. It does not directly change the encoded amino acid sequence of the DNMT1 protein, but it affects a nucleotide within the consensus splice site of the intron.

Literature cited by the submitters: PubMed 17576681; PubMed 9536098.